The following is an entry in ClinVar:

NC_000006.12:g.(?_7541906)_(7585888_?)del

Genes: DSP (desmoplakin; plus strand), DSP-AS1 (DSP antisense RNA 1; minus strand), LOC110121274 (VISTA enhancer hs2191; plus strand). Cytogenetic location: 6p24.3.
Variant type: Deletion.
Identifiers: ClinVar variation 649078 (VCV000649078.2).

ClinVar aggregate classification (germline): Pathogenic (1 of 4 stars; one submission).

Conditions:
Arrhythmogenic cardiomyopathy with wooly hair and keratoderma. Also called: Arrhythmogenic cardiomyopathy with woolly hair and keratoderma; Carvajal syndrome; PALMOPLANTAR KERATODERMA WITH LEFT VENTRICULAR CARDIOMYOPATHY AND WOOLLY HAIR; Dilated cardiomyopathy with woolly hair and keratoderma. Identifiers: Orphanet 65282, MedGen C1854063, MONDO:0011581, OMIM 605676.
Arrhythmogenic right ventricular dysplasia 8 (ARVD8). Also called: Arrhythmogenic Right Ventricular Dysplasia/Cardiomyopathy 8; ARRHYTHMOGENIC RIGHT VENTRICULAR DYSPLASIA, FAMILIAL, 8; ARRHYTHMOGENIC RIGHT VENTRICULAR CARDIOMYOPATHY 8. Identifiers: MedGen C1843896, MONDO:0011831, OMIM 607450.

Submission:

Labcorp Genetics (formerly Invitae), Labcorp
Classification: Pathogenic for Dilated cardiomyopathy with woolly hair and keratoderma; Arrhythmogenic right ventricular cardiomyopathy, type 8. Last evaluated: 2019-03-15. Review status: criteria provided, single submitter. Criteria: Invitae Variant Classification Sherloc (09022015). Collection method: clinical testing. Allele origin: germline.
Comment: A gross deletion of the genomic region encompassing the full coding sequence of the DSP gene has been identified. The boundaries of this event are unknown as the deletion extends beyond the assayed region for this gene and therefore may encompass additional genes. This variant has not been reported in the literature in individuals with DSP-related conditions. Loss-of-function variants in DSP are known to be pathogenic (PMID: 20716751, 24503780, 25227139). For these reasons, this variant has been classified as Pathogenic.